The following is an entry in ClinVar:

ClinVar aggregate classification (germline): Uncertain significance (1 of 4 stars; one submission).

Conditions:
Focal segmental glomerulosclerosis 2 (FSGS2). Identifiers: Orphanet 656, MedGen C1858915, MONDO:0011390, OMIM 603965.

Submission:

MVZ Medizinische Genetik Mainz
Classification: Uncertain significance for Focal segmental glomerulosclerosis 2. Last evaluated: 2025-09-05. Review status: criteria provided, single submitter. Criteria: UK Practice Guidelines For Variant Classification V4 01 2020. Collection method: clinical testing. Allele origin: germline. Inheritance: Autosomal dominant inheritance. Affected: yes. Observed: 1 variant allele.
Comment: ACMG Criteria: PM1_SUP,PM2_SUP,PP3

NM_004621.6(TRPC6):c.2644G>C (p.Gly882Arg)

Gene: TRPC6 (transient receptor potential cation channel subfamily C member 6; minus strand). Cytogenetic location: 11q22.1.
Variant type: single nucleotide variant.
Coding change: c.2644G>C on transcript NM_004621.6 (MANE Select); coding-DNA position 2644, G replaced by C.
Protein change: p.Gly882Arg; replaces glycine 882 with arginine.
Molecular consequence: missense variant.
Genome position (GRCh38, 1-based): chr11:101,453,650, C>G on the plus strand (G>C on the coding strand, the complement: TRPC6 is on the minus strand). VCF-style: chr11-101453650-C-G. GRCh37 (hg19) VCF-style: chr11-101324381-C-G.
Other names: c.2296G>C, p.Gly766Arg (NM_001439335.1); short protein forms G766R, G882R.
Identifiers: ClinVar variation 4277253 (VCV004277253.1).